The following is an entry in ClinVar:

NM_002691.4(POLD1):c.2120A>G (p.Gln707Arg)

Gene: POLD1 (DNA polymerase delta 1, catalytic subunit; plus strand). Cytogenetic location: 19q13.33.
Variant type: single nucleotide variant.
Coding change: c.2120A>G on transcript NM_002691.4 (MANE Select); coding-DNA position 2120, A replaced by G.
Protein change: p.Gln707Arg; replaces glutamine 707 with arginine.
Molecular consequence: missense variant. On other transcripts: non-coding transcript variant (1).
Genome position (GRCh38, 1-based): chr19:50,409,632, A>G. VCF-style: chr19-50409632-A-G. GRCh37 (hg19) VCF-style: chr19-50912889-A-G.
Other names: c.2120A>G, p.Gln707Arg (NM_001256849.1); c.2198A>G, p.Gln733Arg (NM_001308632.1); short protein forms Q733R, Q707R.
Identifiers: ClinVar variation 3013396 (VCV003013396.3), dbSNP rs577799299, ClinGen allele CA9596389.

ClinVar aggregate classification (germline): Uncertain significance (1 of 4 stars; one submission).

Conditions:
POLD1-related polyposis and colorectal cancer syndrome (CRCS10). Also called: Colorectal cancer 10; COLORECTAL CANCER, SUSCEPTIBILITY TO, ON CHROMOSOME 19q; Colorectal cancer, susceptibility to, 10. Identifiers: Orphanet 220460, MedGen C2675481, MONDO:0012953, OMIM 612591.

Allele frequency attached by ClinVar (database versions not stated): gnomAD 0.00001; ExAC 0.00002; 1000 Genomes Project 30x 0.00031; 1000 Genomes Project 0.00040.
gnomAD v4.1: 2 of 1,607,574 alleles (0.00012%); highest among the groups gnomAD compares: South Asian, 0.0022%; no homozygotes.

Submission:

Labcorp Genetics (formerly Invitae), Labcorp
Classification: Uncertain significance for POLD1-related polyposis and colorectal cancer syndrome. Last evaluated: 2023-02-16. Review status: criteria provided, single submitter. Criteria: Invitae Variant Classification Sherloc (09022015). Collection method: clinical testing. Allele origin: germline.
Comment: In summary, the available evidence is currently insufficient to determine the role of this variant in disease. Therefore, it has been classified as a Variant of Uncertain Significance. Algorithms developed to predict the effect of sequence changes on RNA splicing suggest that this variant may disrupt the consensus splice site. Advanced modeling of protein sequence and biophysical properties (such as structural, functional, and spatial information, amino acid conservation, physicochemical variation, residue mobility, and thermodynamic stability) performed at Invitae indicates that this missense variant is not expected to disrupt POLD1 protein function. This variant has not been reported in the literature in individuals affected with POLD1-related conditions. This variant is present in population databases (rs577799299, gnomAD 0.007%). This sequence change replaces glutamine, which is neutral and polar, with arginine, which is basic and polar, at codon 707 of the POLD1 protein (p.Gln707Arg).